The following is an entry in ClinVar:

ClinVar aggregate classification (germline): Uncertain significance (1 of 4 stars; one submission).

Conditions:
Deafness-lymphedema-leukemia syndrome. Also called: Lymphedema, primary, with myelodysplasia; Emberger syndrome. Identifiers: Orphanet 3226, MedGen C3279664, MONDO:0013540, OMIM 614038.
Monocytopenia with susceptibility to infections. Also called: MONOCYTOPENIA AND MYCOBACTERIAL INFECTION SYNDROME; MONOCYTOPENIA WITH SUSCEPTIBILITY TO MYCOBACTERIAL, FUNGAL, AND PAPILLOMAVIRUS INFECTIONS AND MYELODYSPLASIA; COMBINED IMMUNODEFICIENCY WITH SUSCEPTIBILITY TO MYCOBACTERIAL, VIRAL, AND FUNGAL INFECTIONS; Dendritic cell, monocyte, B lymphocyte, and natural killer lymphocyte deficiency; IMMUNODEFICIENCY 21; GATA2 DEFICIENCY. Identifiers: Orphanet 228423, MedGen C3280030, MONDO:0013607, OMIM 614172.

Submission:

Labcorp Genetics (formerly Invitae), Labcorp
Classification: Uncertain significance for Monocytopenia with susceptibility to infections; Deafness-lymphedema-leukemia syndrome. Last evaluated: 2024-05-02. Review status: criteria provided, single submitter. Criteria: Invitae Variant Classification Sherloc (09022015). Collection method: clinical testing. Allele origin: germline.
Comment: This sequence change replaces alanine, which is neutral and non-polar, with proline, which is neutral and non-polar, at codon 103 of the GATA2 protein (p.Ala103Pro). This variant is not present in population databases (gnomAD no frequency). This variant has not been reported in the literature in individuals affected with GATA2-related conditions. Advanced modeling of protein sequence and biophysical properties (such as structural, functional, and spatial information, amino acid conservation, physicochemical variation, residue mobility, and thermodynamic stability) performed at Invitae indicates that this missense variant is not expected to disrupt GATA2 protein function with a negative predictive value of 95%. In summary, the available evidence is currently insufficient to determine the role of this variant in disease. Therefore, it has been classified as a Variant of Uncertain Significance.

NM_032638.5(GATA2):c.307G>C (p.Ala103Pro)

Gene: GATA2 (GATA binding protein 2; minus strand). Cytogenetic location: 3q21.3.
Variant type: single nucleotide variant.
Coding change: c.307G>C on transcript NM_032638.5 (MANE Select); coding-DNA position 307, G replaced by C.
Protein change: p.Ala103Pro; replaces alanine 103 with proline.
Molecular consequence: missense variant.
Genome position (GRCh38, 1-based): chr3:128,486,291, C>G on the plus strand (G>C on the coding strand, the complement: GATA2 is on the minus strand). VCF-style: chr3-128486291-C-G. GRCh37 (hg19) VCF-style: chr3-128205134-C-G.
Other names: c.307G>C, p.Ala103Pro (NM_001145661.2, NM_001145662.1); short protein forms A103P.
Identifiers: ClinVar variation 3753914 (VCV003753914.2).